The following is an entry in ClinVar:

NM_003742.4(ABCB11):c.500C>A (p.Ala167Glu)

Gene: ABCB11 (ATP binding cassette subfamily B member 11; minus strand). Cytogenetic location: 2q31.1.
Variant type: single nucleotide variant.
Coding change: c.500C>A on transcript NM_003742.4 (MANE Select); coding-DNA position 500, C replaced by A.
Protein change: p.Ala167Glu; replaces alanine 167 with glutamic acid.
Molecular consequence: missense variant.
Genome position (GRCh38, 1-based): chr2:168,995,460, G>T on the plus strand (C>A on the coding strand, the complement: ABCB11 is on the minus strand). VCF-style: chr2-168995460-G-T. GRCh37 (hg19) VCF-style: chr2-169851970-G-T.
Other names: short protein forms A167E.
Identifiers: ClinVar variation 4845939 (VCV004845939.1).

ClinVar aggregate classification (germline): Uncertain significance (1 of 4 stars; one submission).

Conditions:
Familial intrahepatic cholestasis. Identifiers: Orphanet 284385, MedGen CN296401, MONDO:0017290.

Submission:

Genomenon, Inc
Classification: Uncertain significance for Familial intrahepatic cholestasis. Last evaluated: 2026-04-14. Review status: criteria provided, single submitter. Criteria: Genomenon Sequence Variant Interpretation Standards - Updated. Collection method: curation. Allele origin: germline. Affected: yes.
Comment: ABCB11 p.Ala167Glu (c.500C>A) is a missense variant that changes the amino acid at residue 167 from Alanine to Glutamic acid. This variant has been observed in at least one proband with an ABCB11-related disorder (PMID:32808743). The presence of pathogenic or likely pathogenic missense variant(s) at the same amino acid position indicates that this residue is likely important for protein function. It is absent or not present at a significant frequency in gnomAD. In silico models predict that this variant is possibly or probably damaging. In conclusion, we classify ABCB11 p.Ala167Glu (c.500C>A) as a variant of uncertain significance.

Literature cited by the submitters: PubMed 32808743.